The following is an entry in ClinVar:

NM_015135.3(NUP205):c.3444A>T (p.Pro1148=)

Gene: NUP205 (nucleoporin 205; plus strand). Cytogenetic location: 7q33.
Variant type: single nucleotide variant.
Coding change: c.3444A>T on transcript NM_015135.3 (MANE Select); coding-DNA position 3444, A replaced by T.
Protein change: p.Pro1148=; no amino-acid change (proline 1148 retained).
Molecular consequence: synonymous variant.
Genome position (GRCh38, 1-based): chr7:135,616,049, A>T. VCF-style: chr7-135616049-A-T. GRCh37 (hg19) VCF-style: chr7-135300797-A-T.
Other names: c.2370A>T, p.Pro790= (NM_001329434.2).
Identifiers: ClinVar variation 3046837 (VCV003046837.2), dbSNP rs2486177221, ClinGen allele CA457922032.

ClinVar aggregate classification (germline): Likely benign (0 of 4 stars; one submission).

Conditions:
NUP205-related disorder. Also called: NUP205-related condition.

Submission:

PreventionGenetics, part of Exact Sciences
Classification: Likely benign for NUP205-related condition. Last evaluated: 2023-07-14. Review status: no assertion criteria provided. Collection method: clinical testing. Allele origin: germline.
Comment: This variant is classified as likely benign based on ACMG/AMP sequence variant interpretation guidelines (Richards et al. 2015 PMID: 25741868, with internal and published modifications).